The following is an entry in ClinVar:

ClinVar aggregate classification (germline): Uncertain significance. Review status: criteria provided, multiple submitters, no conflicts (2 of 4 stars). 3 submissions from 3 submitters: Uncertain significance (2). 1 of the submissions does not count toward it. Last evaluated 2020-10-16.

Conditions:
Autosomal dominant nonsyndromic hearing loss 2A. Also called: Autosomal dominant nonsyndromic deafness 2A; DFNA2 Nonsyndromic Hearing Loss; Deafness, autosomal dominant 2A. Identifiers: Orphanet 90635, MedGen C2677637, MONDO:0010817, OMIM 600101.

Allele frequency attached by ClinVar (database versions not stated): gnomAD exomes below 0.00001.
gnomAD v4.1: 1 of 1,614,218 alleles (0.000062%); highest among the groups gnomAD compares: South Asian, 0.0011%; no homozygotes.

Submissions (3):

GeneDx
Classification: Uncertain significance. Last evaluated: 2020-10-16. Review status: criteria provided, single submitter. Criteria: GeneDx Variant Classification Process June 2021. Collection method: clinical testing. Allele origin: germline. Affected: yes.
Comment: Variant identified in a mother and son with nonsyndromic hearing loss (Naito et al., 2013); Not observed in large population cohorts (Lek et al., 2016); In silico analysis supports that this missense variant has a deleterious effect on protein structure/function; This variant is associated with the following publications: (PMID: 23717403)

Juno Genomics, Hangzhou Juno Genomics, Inc
Classification: Uncertain significance for Autosomal dominant nonsyndromic hearing loss 2A. Review status: criteria provided, single submitter. Criteria: ACMG Guidelines, 2015. Collection method: clinical testing. Allele origin: germline. Affected: yes.
Comment: Absent from controls (or at extremely low frequency if recessive) in Genome Aggregation Database.;Multiple lines of computational evidence support a deleterious effect on the gene or gene product.;The prevalence of the variant in affected individuals is significantly increased compared to the prevalence in controls.

ClinVar Staff, National Center for Biotechnology Information (NCBI)
Classification: Pathogenic for Autosomal dominant nonsyndromic hearing loss 2A. Last evaluated: 2015-08-20. Review status: no assertion criteria provided. Collection method: literature only. Allele origin: germline. Affected: yes. Not counted in ClinVar's aggregate classification.
Comment: This variant used to be reported in GeneReviews NBK1209.

Literature cited by the submitters: PubMed 23717403 (cited by ClinVar Staff, National Center for Biotechnology Information (NCBI)); PubMed 20301388 (cited by ClinVar Staff, National Center for Biotechnology Information (NCBI)).

NM_004700.4(KCNQ4):c.891G>T (p.Arg297Ser)

Gene: KCNQ4 (potassium voltage-gated channel subfamily Q member 4; plus strand). Cytogenetic location: 1p34.2.
Variant type: single nucleotide variant.
Coding change: c.891G>T on transcript NM_004700.4 (MANE Select); coding-DNA position 891, G replaced by T.
Protein change: p.Arg297Ser; replaces arginine 297 with serine.
Molecular consequence: missense variant.
Genome position (GRCh38, 1-based): chr1:40,819,931, G>T. VCF-style: chr1-40819931-G-T. GRCh37 (hg19) VCF-style: chr1-41285603-G-T.
Other names: c.891G>T, p.Arg297Ser (NM_172163.3); short protein forms R297S.
Identifiers: ClinVar variation 208371 (VCV000208371.5), dbSNP rs797044971, ClinGen allele CA347397.